The following is an entry in ClinVar:

NM_015378.4(VPS13D):c.3255G>A (p.Gln1085=)

Gene: VPS13D (vacuolar protein sorting 13 homolog D; plus strand). Cytogenetic location: 1p36.22.
Variant type: single nucleotide variant.
Coding change: c.3255G>A on transcript NM_015378.4 (MANE Select); coding-DNA position 3255, G replaced by A.
Protein change: p.Gln1085=; no amino-acid change (glutamine 1085 retained).
Molecular consequence: synonymous variant.
Genome position (GRCh38, 1-based): chr1:12,276,843, G>A. VCF-style: chr1-12276843-G-A. GRCh37 (hg19) VCF-style: chr1-12336900-G-A.
Other names: c.3255G>A, p.Gln1085= (NM_018156.4); c.3255G>A (NM_015378.3).
Identifiers: ClinVar variation 1545930 (VCV001545930.32), dbSNP rs562608497, ClinGen allele CA601950.

ClinVar aggregate classification (germline): Likely benign. Review status: criteria provided, multiple submitters, no conflicts (2 of 4 stars). 3 submissions from 3 submitters: Likely benign (2). 1 of the submissions does not count toward it. Last evaluated 2025-12-08.

Conditions:
VPS13D-related disorder. Also called: VPS13D-related condition.

Allele frequency attached by ClinVar (database versions not stated): gnomAD 0.00005 and 0.00006; 1000 Genomes Project 0.00020; 1000 Genomes Project 30x 0.00031; TOPMed 0.00005.
gnomAD v4.1: 125 of 1,614,198 alleles (0.0077%); highest among the groups gnomAD compares: Middle Eastern, 0.18%; 1 homozygote.

Submissions (3):

Labcorp Genetics (formerly Invitae), Labcorp
Classification: Likely benign. Last evaluated: 2025-12-08. Review status: criteria provided, single submitter. Criteria: Invitae Variant Classification Sherloc (09022015). Collection method: clinical testing. Allele origin: germline.

CeGaT Center for Human Genetics Tuebingen
Classification: Likely benign. Last evaluated: 2022-10-01. Review status: criteria provided, single submitter. Criteria: CeGaT Center For Human Genetics Tuebingen Variant Classification Criteria Version 2. Collection method: clinical testing. Allele origin: germline. Affected: yes. Observed: 1 variant allele.
Comment: VPS13D: BP4, BP7

PreventionGenetics, part of Exact Sciences
Classification: Likely benign for VPS13D-related condition. Last evaluated: 2019-07-10. Review status: no assertion criteria provided. Collection method: clinical testing. Allele origin: germline. Not counted in ClinVar's aggregate classification.
Comment: This variant is classified as likely benign based on ACMG/AMP sequence variant interpretation guidelines (Richards et al. 2015 PMID: 25741868, with internal and published modifications).